The following is an entry in ClinVar:

NC_012920.1:m.961delTinsC[2_7]

Gene: MT-RNR1 (mitochondrially encoded 12S RNA; plus strand).
Variant type: Indel.
Other names: m.961delTinsC(2_7).
Identifiers: ClinVar variation 4528889 (VCV004528889.1).

ClinVar aggregate classification (germline): Likely benign (3 of 4 stars; one submission).

Conditions:
Mitochondrial disease. Also called: Mitochondrial disorder; Mitochondrial disorders. Identifiers: Orphanet 68380, MedGen C0751651, MeSH D028361, MONDO:0044970.

Submission:

ClinGen Mitochondrial Disease Nuclear and Mitochondrial  Variant Curation Expert Panel, ClinGen
Classification: Likely benign for Mitochondrial disease. Last evaluated: 2025-01-07. Review status: reviewed by expert panel. Criteria: clingen mito disease acmg specifications v1-1. Collection method: curation. Allele origin: germline. Inheritance: Mitochondrial inheritance.
Comment: The m.961delTinsC(2_7) variant in MT-RNR1 was reviewed by the Mitochondrial Disease Nuclear and Mitochondrial Variant Curation Expert Panel on January 7, 2025. The T→C transition at nucleotide position 961 gives rise to an unstable poly C tract that is prone to expansion by one or two C residues. This region is highly variable and poorly conserved. Although this variant has been reported in individuals with aminoglycoside-induced hearing loss (PMIDs: 7550368, 10326749), other etiologies were not fully excluded and members of this Expert Panel have seen the variant in both affected and unaffected family members. As such, this Expert Panel agreed this variant is classified as likely benign for primary mitochondrial disease inherited in a mitochondrial manner. This classification was approved by the NICHD/NINDS U24 ClinGen Mitochondrial Disease Variant Curation Expert Panel on January 7, 2025. Mitochondrial DNA-specific ACMG/AMP criteria applied (PMID: 32906214): None.